The following is an entry in ClinVar:

NM_002907.4(RECQL):c.338T>G (p.Met113Arg)

Gene: RECQL (RecQ like helicase; minus strand). Cytogenetic location: 12p12.1.
Variant type: single nucleotide variant.
Coding change: c.338T>G on transcript NM_002907.4 (MANE Select); coding-DNA position 338, T replaced by G.
Protein change: p.Met113Arg; replaces methionine 113 with arginine.
Molecular consequence: missense variant.
Genome position (GRCh38, 1-based): chr12:21,490,255, A>C on the plus strand (T>G on the coding strand, the complement: RECQL is on the minus strand). VCF-style: chr12-21490255-A-C. GRCh37 (hg19) VCF-style: chr12-21643189-A-C.
Other names: c.338T>G, p.Met113Arg (NM_032941.3); short protein forms M113R.
Identifiers: ClinVar variation 4824330 (VCV004824330.1).
Genomic context (GRCh38, chr12:21,490,255, plus strand): 5'-ATACCATCTGAACATAATGCTGGTAACTGGTAACATAAGCTCTTTCCACCTCCTGTAGGC[A>C]TAACAAGAAATACCTCCTTTCCAGCCATTGTTACGTTAATAGTTTCAAGCTGAAGTGGTC-3'
Protein context (NP_002898.2, residues 103-123): TMAGKEVFLV[Met113Arg]PTGGGKSLCY

ClinVar aggregate classification (germline): Uncertain significance (1 of 4 stars; one submission).

Submission:

Ambry Genetics
Classification: Uncertain significance. Last evaluated: 2026-01-25. Review status: criteria provided, single submitter. Criteria: Ambry Variant Classification Scheme 2023. Collection method: clinical testing. Allele origin: germline.
Comment: The p.M113R variant (also known as c.338T>G), located in coding exon 3 of the RECQL gene, results from a T to G substitution at nucleotide position 338. The methionine at codon 113 is replaced by arginine, an amino acid with similar properties. This amino acid position is conserved. In addition, this alteration is predicted to be deleterious by in silico analysis. Based on the available evidence, the clinical significance of this variant remains unclear.